The following is an entry in ClinVar:

ClinVar aggregate classification (germline): Uncertain significance. Review status: criteria provided, single submitter (1 of 4 stars). 2 submissions from 2 submitters: Uncertain significance (1). 1 of the submissions does not count toward it. Last evaluated 2022-07-06.

Conditions:
Nemaline myopathy 2 (NEM2). Also called: Nemaline myopathy 2, autosomal recessive. Identifiers: MedGen C1850569, MONDO:0009725, OMIM 256030.

gnomAD v4.1: 8 of 1,613,570 alleles (0.0005%); highest among the groups gnomAD compares: Middle Eastern, 0.017%; no homozygotes.

Submissions (2):

Labcorp Genetics (formerly Invitae), Labcorp
Classification: Uncertain significance for Nemaline myopathy 2. Last evaluated: 2022-07-06. Review status: criteria provided, single submitter. Criteria: Invitae Variant Classification Sherloc (09022015). Collection method: clinical testing. Allele origin: germline.
Comment: This sequence change replaces asparagine, which is neutral and polar, with serine, which is neutral and polar, at codon 4084 of the NEB protein (p.Asn4084Ser). This variant is present in population databases (rs761668198, gnomAD 0.01%). This variant has not been reported in the literature in individuals affected with NEB-related conditions. ClinVar contains an entry for this variant (Variation ID: 652782). Algorithms developed to predict the effect of missense changes on protein structure and function are either unavailable or do not agree on the potential impact of this missense change (SIFT: "Deleterious"; PolyPhen-2: "Not Available"; Align-GVGD: "Class C0"). Algorithms developed to predict the effect of sequence changes on RNA splicing suggest that this variant may create or strengthen a splice site. In summary, the available evidence is currently insufficient to determine the role of this variant in disease. Therefore, it has been classified as a Variant of Uncertain Significance.

Natera, Inc.
Classification: Uncertain significance for Nemaline myopathy type 2. Last evaluated: 2020-09-16. Review status: no assertion criteria provided. Collection method: clinical testing. Allele origin: germline. Not counted in ClinVar's aggregate classification.

NM_001164508.2(NEB):c.12251A>G (p.Asn4084Ser)

Gene: NEB (nebulin; minus strand). Cytogenetic location: 2q23.3.
Variant type: single nucleotide variant.
Coding change: c.12251A>G on transcript NM_001164508.2 (MANE Select); coding-DNA position 12251, A replaced by G.
Protein change: p.Asn4084Ser; replaces asparagine 4084 with serine.
Molecular consequence: missense variant.
Genome position (GRCh38, 1-based): chr2:151,609,888, T>C on the plus strand (A>G on the coding strand, the complement: NEB is on the minus strand). VCF-style: chr2-151609888-T-C. GRCh37 (hg19) VCF-style: chr2-152466402-T-C.
Other names: c.12251A>G, p.Asn4084Ser (NM_001164507.2, NM_001271208.2); c.11522A>G, p.Asn3841Ser (NM_004543.5); short protein forms N3841S, N4084S.
Identifiers: ClinVar variation 652782 (VCV000652782.5), dbSNP rs761668198, ClinGen allele CA1908564.
Genomic context (GRCh38, chr2:151,609,888, plus strand): 5'-GCCTTTTTTGCTTGGATAATGTCGTTTTGATCCGGCATGCATGTCCATTCATGCAGGTAA[T>C]TGCGATAATCAATGTCAGTGACCAAAGTCTGACATTTCTTGGCCAGCAAGATGCTTAACA-3'
Protein context (NP_001157980.2, residues 4074-4094): QTLVTDIDYR[Asn4084Ser]YLHEWTCMPD